The following is an entry in ClinVar:

ClinVar aggregate classification (germline): Conflicting classifications of pathogenicity. Review status: criteria provided, conflicting classifications (1 of 4 stars). 2 submissions from 2 submitters: Uncertain significance (1); Benign (1). Last evaluated 2019-10-17.

Conditions:
Leigh syndrome (NULS). Also called: LEIGH SYNDROME, NUCLEAR; Leigh Disease; Subacute necrotizing encephalopathy; Necrotizing encephalopathy infantile subacute of Leigh; Leigh's syndrome; Leigh's necrotizing encephalopathy. Identifiers: Orphanet 506, MedGen C2931891, MONDO:0009723, OMIM 256000.
Intellectual disability. Also called: intellectual disabilities; Intellectual functioning disability; Intellectual developmental disorder. Identifiers: MedGen C3714756, MeSH D008607, MONDO:0001071, HP:0001249.

Submissions (2):

Wong Mito Lab, Molecular and Human Genetics, Baylor College of Medicine
Classification: Benign for Leigh syndrome. Last evaluated: 2019-10-17. Review status: criteria provided, single submitter. Criteria: Modified ACMG Guidelines (Unpublished). Collection method: clinical testing. Allele origin: germline.
Comment: The NC_012920.1:m.3565A>G (YP_003024026.1:p.Thr87Ala) variant in MTND1 gene is interpretated to be a Benign variant based on the modified ACMG guidelines (unpublished). This variant meets the following evidence codes: BS1, BS2, BP4

Cambridge Genomics Laboratory, East Genomic Laboratory Hub, NHS Genomic Medicine Service
Classification: Uncertain significance for Intellectual disability. Last evaluated: 2019-07-23. Review status: criteria provided, single submitter. Criteria: ACGS Best Practice Guidelines for Variant Classification in Rare Disease 2020. Collection method: clinical testing. Allele origin: germline. Affected: yes. Observed: 1 variant allele.

NC_012920.1(MT-ND1):m.3565A>G

Gene: MT-ND1 (mitochondrially encoded NADH dehydrogenase 1; plus strand).
Variant type: single nucleotide variant.
Genome position: chrM-3565-A-G.
Identifiers: ClinVar variation 692371 (VCV000692371.2), dbSNP rs2854133, ClinGen allele CA337096593.